The following is an entry in ClinVar:

ClinVar aggregate classification (germline): Uncertain significance (1 of 4 stars; one submission).

Conditions:
Atypical hemolytic-uremic syndrome. Identifiers: Orphanet 2134, MedGen C2931788, MONDO:0016244.

Submission:

Genomenon, Inc
Classification: Uncertain significance for Atypical hemolytic-uremic syndrome. Last evaluated: 2025-10-02. Review status: criteria provided, single submitter. Criteria: Genomenon Sequence Variant Interpretation Standards. Collection method: curation. Allele origin: germline. Affected: no.
Comment: CD46 p.Asp91Ala (c.272A>C) is a missense variant that changes the amino acid at residue 91 from Aspartic acid to Alanine. This variant has been reported in the published literature (PMID:16014961;26357573). It is absent or not present at a significant frequency in gnomAD. In silico models agree that this variant is not damaging. In conclusion, we classify CD46 p.Asp91Ala (c.272A>C) as a variant of uncertain significance.

Literature cited by the submitters: PubMed 16014961; PubMed 26357573.

NM_172351.3(CD46):c.272A>C (p.Asp91Ala)

Gene: CD46 (CD46 molecule; plus strand). Cytogenetic location: 1q32.2.
Variant type: single nucleotide variant.
Coding change: c.272A>C on transcript NM_172351.3 (MANE Select); coding-DNA position 272, A replaced by C.
Protein change: p.Asp91Ala; replaces aspartic acid 91 with alanine.
Molecular consequence: missense variant.
Genome position (GRCh38, 1-based): chr1:207,757,188, A>C. VCF-style: chr1-207757188-A-C. GRCh37 (hg19) VCF-style: chr1-207930533-A-C.
Other names: c.272A>C, p.Asp91Ala (NM_002389.4, NM_153826.4, NM_172350.3 and 8 more transcripts); short protein forms D91A.
Identifiers: ClinVar variation 4291251 (VCV004291251.1).